The following is an entry in ClinVar:

NM_001042492.3(NF1):c.3496+8C>T

Gene: NF1 (neurofibromin 1; plus strand). Cytogenetic location: 17q11.2.
Variant type: single nucleotide variant.
Coding change: c.3496+8C>T on transcript NM_001042492.3 (MANE Select); 8 bases into the intron after coding-DNA position 3496, C replaced by T.
Molecular consequence: intron variant.
Genome position (GRCh38, 1-based): chr17:31,232,889, C>T. VCF-style: chr17-31232889-C-T. GRCh37 (hg19) VCF-style: chr17-29559907-C-T.
Other names: c.3496+8C>T (NM_000267.4).
Identifiers: ClinVar variation 703603 (VCV000703603.12), dbSNP rs754087844, ClinGen allele CA8486172.

ClinVar aggregate classification (germline): Likely benign. Review status: criteria provided, multiple submitters, no conflicts (2 of 4 stars). 2 submissions from 2 submitters: Likely benign (2). Last evaluated 2026-05-12.

Conditions:
Neurofibromatosis, type 1 (NF1). Also called: Neurofibromatosis, type I; VON RECKLINGHAUSEN DISEASE; NEUROFIBROMATOSIS, TYPE I, SOMATIC; Peripheral type neurofibromatosis. Identifiers: Orphanet 636, MedGen C0027831, MONDO:0018975, OMIM 162200. Disease mechanism: loss of function.

Allele frequency attached by ClinVar (database versions not stated): TOPMed 0.00002; ExAC 0.00002; gnomAD 0.00001; gnomAD exomes 0.00001.
gnomAD v4.1: 8 of 1,613,662 alleles (0.0005%); highest among the groups gnomAD compares: Non-Finnish European, 0.00068%; no homozygotes.

Submissions (2):

Myriad Genetics, Inc.
Classification: Likely benign for Neurofibromatosis, type 1. Last evaluated: 2026-05-12. Review status: criteria provided, single submitter. Criteria: Myriad Autosomal Dominant, Autosomal Recessive and X-Linked Classification Criteria (2023). Collection method: clinical testing. Allele origin: unknown.
Comment: This variant is considered likely benign. This variant is intronic and is not expected to impact mRNA splicing.

Labcorp Genetics (formerly Invitae), Labcorp
Classification: Likely benign for Neurofibromatosis, type 1. Last evaluated: 2025-12-26. Review status: criteria provided, single submitter. Criteria: Invitae Variant Classification Sherloc (09022015). Collection method: clinical testing. Allele origin: germline.